The following is an entry in ClinVar:

NM_001130965.3(SUN1):c.659-1429G>A

Gene: SUN1 (Sad1 and UNC84 domain containing 1; plus strand). Cytogenetic location: 7p22.3.
Variant type: single nucleotide variant.
Coding change: c.659-1429G>A on transcript NM_001130965.3 (MANE Select); 1429 bases into the intron before coding-DNA position 659, G replaced by A.
Molecular consequence: intron variant. On other transcripts: missense variant (34), 5 prime UTR variant (1), non-coding transcript variant (2), synonymous variant (1).
Genome position (GRCh38, 1-based): chr7:849,955, G>A. VCF-style: chr7-849955-G-A. GRCh37 (hg19) VCF-style: chr7-889592-G-A.
Other names: c.625G>A, p.Ala209Thr (NM_001367649.1, NM_001367668.1, NM_001367647.1); c.994G>A, p.Ala332Thr (NM_001367651.1); c.823G>A, p.Ala275Thr (NM_001367655.1, NM_001367666.1, NM_001367691.1 and 1 more transcripts); c.-71G>A (NM_001367658.1); c.691G>A, p.Ala231Thr (NM_001367664.1, NM_001367685.1, NM_001367696.1 and 3 more transcripts); c.541G>A, p.Ala181Thr (NM_001367667.1, NM_001367679.1, NM_001367689.1 and 2 more transcripts); c.889G>A, p.Ala297Thr (NM_001367677.1, NM_001367692.1, NM_001367700.1); c.973G>A, p.Ala325Thr (NM_001367678.1, NM_001367687.1, NM_001367690.1 and 3 more transcripts); and 17 more; short protein forms A168T, A181T, A209T, A231T, A247T, A259T, A275T, A297T.
Identifiers: ClinVar variation 3770666 (VCV003770666.13).
Genomic context (GRCh38, chr7:849,955, plus strand): 5'-CACTCACTGCCTGTCACCACACCTGCAGGCGACGACTGTAAGGGCAAGAGGCACCTCGAC[G>A]CGCACACAGCCGCCCACTCGCAGTCGCCACGGCTGCCCGGTCGGGCAGGGACCCTCTGGC-3'

ClinVar aggregate classification (germline): Likely benign (1 of 4 stars; one submission).

gnomAD v4.1: 9,138 of 1,601,356 alleles (0.57%); highest among the groups gnomAD compares: Non-Finnish European, 0.67%; 35 homozygotes.

Submission:

CeGaT Center for Human Genetics Tuebingen
Classification: Likely benign. Last evaluated: 2025-02-01. Review status: criteria provided, single submitter. Criteria: CeGaT Center For Human Genetics Tuebingen Variant Classification Criteria Version 2. Collection method: clinical testing. Allele origin: germline. Affected: yes. Observed: 1 variant allele.
Comment: SUN1: BP4, BS2